The following is an entry in ClinVar:

ClinVar aggregate classification (germline): Pathogenic (1 of 4 stars; one submission).

Conditions:
Neurofibromatosis, type 1 (NF1). Also called: VON RECKLINGHAUSEN DISEASE; NEUROFIBROMATOSIS, TYPE I, SOMATIC; Peripheral type neurofibromatosis; Neurofibromatosis, type I. Identifiers: Orphanet 636, MedGen C0027831, MONDO:0018975, OMIM 162200. Disease mechanism: loss of function.

Submission:

Labcorp Genetics (formerly Invitae), Labcorp
Classification: Pathogenic for Neurofibromatosis, type 1. Last evaluated: 2023-08-18. Review status: criteria provided, single submitter. Criteria: Invitae Variant Classification Sherloc (09022015). Collection method: clinical testing. Allele origin: germline.
Comment: For these reasons, this variant has been classified as Pathogenic. Algorithms developed to predict the effect of sequence changes on RNA splicing suggest that this variant may disrupt the consensus splice site. This variant has not been reported in the literature in individuals affected with NF1-related conditions. This variant is not present in population databases (gnomAD no frequency). This sequence change creates a premature translational stop signal (p.Met68Lysfs*8) in the NF1 gene. It is expected to result in an absent or disrupted protein product. Loss-of-function variants in NF1 are known to be pathogenic (PMID: 10712197, 23913538).

Literature cited by the submitters: PubMed 10712197; PubMed 23913538.

NM_001042492.3(NF1):c.203_204del (p.Met68fs)

Gene: NF1 (neurofibromin 1; plus strand). Cytogenetic location: 17q11.2.
Variant type: Deletion.
Coding change: c.203_204del on transcript NM_001042492.3 (MANE Select); coding-DNA positions 203 to 204, 2 bases deleted (TG; older notation c.203_204delTG).
Protein change: p.Met68fs; shifts the reading frame from methionine 68.
Molecular consequence: frameshift variant.
Genome position (GRCh38, 1-based): chr17:31,156,125-31,156,126, TG deleted. VCF-style (leftmost placement, unchanged base first): chr17-31156124-ATG-A. GRCh37 (hg19) VCF-style: chr17-29483142-ATG-A.
Other names: c.203_204delTG, p.Met68Lysfs (NM_000267.4); c.203_204del, p.Met68fs (NM_001128147.3); short protein forms M68fs.
Identifiers: ClinVar variation 2753673 (VCV002753673.3), dbSNP rs2544681918, ClinGen allele CA2697559527.